The following is an entry in ClinVar:

NM_001283009.2(RTEL1):c.2099G>C (p.Arg700Pro)

Genes: RTEL1 (regulator of telomere elongation helicase 1; plus strand), RTEL1-TNFRSF6B (RTEL1-TNFRSF6B readthrough (NMD candidate); plus strand). Cytogenetic location: 20q13.33.
Variant type: single nucleotide variant.
Coding change: c.2099G>C on transcript NM_001283009.2 (MANE Select); coding-DNA position 2099, G replaced by C.
Protein change: p.Arg700Pro; replaces arginine 700 with proline.
Molecular consequence: missense variant. On other transcripts: non-coding transcript variant (1).
Genome position (GRCh38, 1-based): chr20:63,689,823, G>C. VCF-style: chr20-63689823-G-C. GRCh37 (hg19) VCF-style: chr20-62321176-G-C.
Other names: c.1430G>C, p.Arg477Pro (NM_001283010.1); c.2099G>C, p.Arg700Pro (NM_016434.4); c.2171G>C, p.Arg724Pro (NM_032957.5); short protein forms R700P, R724P, R477P.
Identifiers: ClinVar variation 3436052 (VCV003436052.1).

ClinVar aggregate classification (germline): Uncertain significance (1 of 4 stars; one submission).

Conditions:
Inborn genetic diseases. Identifiers: MedGen C0950123, MeSH D030342.

gnomAD v4.1: 1 of 1,611,712 alleles (0.000062%); highest among the groups gnomAD compares: South Asian, 0.0011%; no homozygotes.

Submission:

Ambry Genetics
Classification: Uncertain significance for Inborn genetic diseases. Last evaluated: 2024-12-08. Review status: criteria provided, single submitter. Criteria: Ambry Variant Classification Scheme 2023. Collection method: clinical testing. Allele origin: germline.
Comment: The p.R700P variant (also known as c.2099G>C), located in coding exon 23 of the RTEL1 gene, results from a G to C substitution at nucleotide position 2099. The arginine at codon 700 is replaced by proline, an amino acid with dissimilar properties. This amino acid position is conserved. In addition, this alteration is predicted to be deleterious by in silico analysis. Based on the available evidence, the clinical significance of this variant remains unclear.